The following is an entry in ClinVar:

ClinVar aggregate classification (germline): Uncertain significance (1 of 4 stars; one submission).

gnomAD v4.1: 3 of 1,614,094 alleles (0.00019%); highest among the groups gnomAD compares: African/African-American, 0.004%; no homozygotes.

Submission:

Ambry Genetics
Classification: Uncertain significance. Last evaluated: 2024-12-25. Review status: criteria provided, single submitter. Criteria: Ambry Variant Classification Scheme 2023. Collection method: clinical testing. Allele origin: germline.
Comment: The p.T1346R variant (also known as c.4037C>G), located in coding exon 14 of the CDK12 gene, results from a C to G substitution at nucleotide position 4037. The threonine at codon 1346 is replaced by arginine, an amino acid with similar properties. This amino acid position is conserved. In addition, the in silico prediction for this alteration is inconclusive. Based on the available evidence, the clinical significance of this variant remains unclear.

NM_016507.4(CDK12):c.4037C>G (p.Thr1346Arg)

Gene: CDK12 (cyclin dependent kinase 12; plus strand). Cytogenetic location: 17q12.
Variant type: single nucleotide variant.
Coding change: c.4037C>G on transcript NM_016507.4 (MANE Select); coding-DNA position 4037, C replaced by G.
Protein change: p.Thr1346Arg; replaces threonine 1346 with arginine.
Molecular consequence: missense variant.
Genome position (GRCh38, 1-based): chr17:39,530,880, C>G. VCF-style: chr17-39530880-C-G. GRCh37 (hg19) VCF-style: chr17-37687133-C-G.
Other names: c.4010C>G, p.Thr1337Arg (NM_015083.4); short protein forms T1346R, T1337R.
Identifiers: ClinVar variation 3830410 (VCV003830410.1).